The following is an entry in ClinVar:

NM_001008212.2(OPTN):c.1204_1210del (p.Asn401_Asn402insTer)

Gene: OPTN (optineurin; plus strand). Cytogenetic location: 10p13.
Variant type: Deletion.
Coding change: c.1204_1210del on transcript NM_001008212.2 (MANE Select); coding-DNA positions 1204 to 1210, 7 bases deleted (AATGCAT; older notation c.1204_1210delAATGCAT).
Protein change: p.Asn401_Asn402insTer.
Molecular consequence: nonsense.
Genome position (GRCh38, 1-based): chr10:13,126,001-13,126,007, AATGCAT deleted; deleting any 7 consecutive bases within chr10:13,125,999-13,126,007 gives the same sequence; the c. name uses the placement nearest the transcript's 3' end. VCF-style (leftmost placement, unchanged base first): chr10-13125998-AATAATGC-A. GRCh37 (hg19) VCF-style: chr10-13167998-AATAATGC-A.
Other names: c.1204_1210del, p.Asn401_Asn402insTer (NM_001008211.1, NM_001008213.1, NM_021980.4); c.1204_1210del7 (NM_001008211.1).
Identifiers: ClinVar variation 2636905 (VCV002636905.3), dbSNP rs764596973, ClinGen allele CA5410899.

ClinVar aggregate classification (germline): Pathogenic/Likely pathogenic. Review status: criteria provided, multiple submitters, no conflicts (2 of 4 stars). 2 submissions from 2 submitters: Pathogenic (1); Likely pathogenic (1). Last evaluated 2024-03-26.

Conditions:
OPTN-related disorder. Also called: OPTN-related condition; OPTN-related disorders.
Amyotrophic lateral sclerosis type 12 (ALS12). Also called: AMYOTROPHIC LATERAL SCLEROSIS 12 WITH OR WITHOUT FRONTOTEMPORAL DEMENTIA. Identifiers: Orphanet 803, MedGen C3150692, MONDO:0013264, OMIM 613435.
Glaucoma 1, open angle, E. Identifiers: MedGen C1842026, MONDO:0007665.
Primary open angle glaucoma (POAG). Also called: OPTN-related open angle glaucoma. Identifiers: MedGen C0339573, MONDO:0100553, OMIM 137760.

Submissions (2):

Labcorp Genetics (formerly Invitae), Labcorp
Classification: Pathogenic for Primary open angle glaucoma; Glaucoma 1, open angle, E; Amyotrophic lateral sclerosis type 12. Last evaluated: 2024-03-26. Review status: criteria provided, single submitter. Criteria: Invitae Variant Classification Sherloc (09022015). Collection method: clinical testing. Allele origin: germline.
Comment: This sequence change creates a premature translational stop signal (p.Asn402*) in the OPTN gene. It is expected to result in an absent or disrupted protein product. Loss-of-function variants in OPTN are known to be pathogenic (PMID: 20428114). This variant is present in population databases (rs764596973, gnomAD 0.0009%). This variant has not been reported in the literature in individuals affected with OPTN-related conditions. ClinVar contains an entry for this variant (Variation ID: 2636905). For these reasons, this variant has been classified as Pathogenic.

PreventionGenetics, part of Exact Sciences
Classification: Likely pathogenic for OPTN-related condition. Last evaluated: 2023-01-30. Review status: criteria provided, single submitter. Criteria: ACMG Guidelines, 2015. Collection method: clinical testing. Allele origin: germline.
Comment: The OPTN c.1204_1210del7 variant is predicted to result in premature protein termination (p.Asn402*). To our knowledge, this variant has not been reported in the literature. This variant is reported in 0.00088% of alleles in individuals of European (Non-Finnish) descent in gnomAD. Nonsense variants in OPTN are expected to be pathogenic. This variant is interpreted as likely pathogenic.

Literature cited by the submitters: PubMed 20428114 (cited by Labcorp Genetics (formerly Invitae), Labcorp).